The following is an entry in ClinVar:

NM_001130987.2(DYSF):c.2070C>G (p.Ile690Met)

Gene: DYSF (dysferlin; plus strand). Cytogenetic location: 2p13.2.
Variant type: single nucleotide variant.
Coding change: c.2070C>G on transcript NM_001130987.2 (MANE Select); coding-DNA position 2070, C replaced by G.
Protein change: p.Ile690Met; replaces isoleucine 690 with methionine.
Molecular consequence: missense variant.
Genome position (GRCh38, 1-based): chr2:71,553,892, C>G. VCF-style: chr2-71553892-C-G. GRCh37 (hg19) VCF-style: chr2-71781022-C-G.
Other names: c.2019C>G, p.Ile673Met (NM_001130455.2, NM_001130983.2); c.1974C>G, p.Ile658Met (NM_001130976.2, NM_001130977.2); c.2016C>G, p.Ile672Met (NM_001130978.2, NM_003494.4); c.2109C>G, p.Ile703Met (NM_001130979.2); c.2067C>G, p.Ile689Met (NM_001130980.2, NM_001130981.2); c.2112C>G, p.Ile704Met (NM_001130982.2); c.1977C>G, p.Ile659Met (NM_001130984.2, NM_001130986.2); c.2070C>G, p.Ile690Met (NM_001130985.2); short protein forms I659M, I658M, I672M, I689M, I673M, I690M, I704M, I703M.
Identifiers: ClinVar variation 2155541 (VCV002155541.1), dbSNP rs746480529, ClinGen allele CA49795906.

ClinVar aggregate classification (germline): Uncertain significance (1 of 4 stars; one submission).

Conditions:
Neuromuscular disease caused by qualitative or quantitative defects of dysferlin. Also called: Dysferlinopathy; Qualitative or quantitative defects of dysferlin. Identifiers: Orphanet 207073, MedGen C2931687, MONDO:0016145.

gnomAD v4.1: 9 of 1,614,014 alleles (0.00056%); highest among the groups gnomAD compares: African/African-American, 0.011%; no homozygotes.

Submission:

Labcorp Genetics (formerly Invitae), Labcorp
Classification: Uncertain significance for Neuromuscular disease caused by qualitative or quantitative defects of dysferlin. Last evaluated: 2022-11-01. Review status: criteria provided, single submitter. Criteria: Invitae Variant Classification Sherloc (09022015). Collection method: clinical testing. Allele origin: germline.
Comment: This sequence change replaces isoleucine, which is neutral and non-polar, with methionine, which is neutral and non-polar, at codon 672 of the DYSF protein (p.Ile672Met). This variant is present in population databases (no rsID available, gnomAD 0.01%). This variant has not been reported in the literature in individuals affected with DYSF-related conditions. Advanced modeling of protein sequence and biophysical properties (such as structural, functional, and spatial information, amino acid conservation, physicochemical variation, residue mobility, and thermodynamic stability) performed at Invitae indicates that this missense variant is not expected to disrupt DYSF protein function. In summary, the available evidence is currently insufficient to determine the role of this variant in disease. Therefore, it has been classified as a Variant of Uncertain Significance.